The following is an entry in ClinVar:

NM_001291415.2(KDM6A):c.152G>C (p.Gly51Ala)

Genes: KDM6A (lysine demethylase 6A; plus strand), LOC130068183 (ATAC-STARR-seq lymphoblastoid silent region 20785; plus strand). Cytogenetic location: Xp11.3.
Variant type: single nucleotide variant.
Coding change: c.152G>C on transcript NM_001291415.2 (MANE Select); coding-DNA position 152, G replaced by C.
Protein change: p.Gly51Ala; replaces glycine 51 with alanine.
Molecular consequence: missense variant. On other transcripts: non-coding transcript variant (1), 5 prime UTR variant (1).
Genome position (GRCh38, 1-based): chrX:44,873,703, G>C. VCF-style: chrX-44873703-G-C. GRCh37 (hg19) VCF-style: chrX-44732949-G-C.
Other names: c.152G>C, p.Gly51Ala (NM_001419812.1, NM_001419813.1, NM_001419814.1 and 9 more transcripts); c.-481G>C (NM_001291421.2); short protein forms G51A.
Identifiers: ClinVar variation 2794170 (VCV002794170.3), dbSNP rs1352040501, ClinGen allele CA413020395.

ClinVar aggregate classification (germline): Uncertain significance (1 of 4 stars; one submission).

Conditions:
Kabuki syndrome 2 (KABUK2). Also called: KDM6A-Related Kabuki Syndrome. Identifiers: Orphanet 2322, MedGen C3275495, MONDO:0010465, OMIM 300867.

Submission:

Labcorp Genetics (formerly Invitae), Labcorp
Classification: Uncertain significance for Kabuki syndrome 2. Last evaluated: 2023-12-18. Review status: criteria provided, single submitter. Criteria: Invitae Variant Classification Sherloc (09022015). Collection method: clinical testing. Allele origin: germline.
Comment: This sequence change replaces glycine, which is neutral and non-polar, with alanine, which is neutral and non-polar, at codon 51 of the KDM6A protein (p.Gly51Ala). This variant is not present in population databases (gnomAD no frequency). This variant has not been reported in the literature in individuals affected with KDM6A-related conditions. Advanced modeling of protein sequence and biophysical properties (such as structural, functional, and spatial information, amino acid conservation, physicochemical variation, residue mobility, and thermodynamic stability) performed at Invitae indicates that this missense variant is not expected to disrupt KDM6A protein function with a negative predictive value of 80%. In summary, the available evidence is currently insufficient to determine the role of this variant in disease. Therefore, it has been classified as a Variant of Uncertain Significance.